The following is an entry in ClinVar:

ClinVar aggregate classification (germline): Uncertain significance (1 of 4 stars; one submission).

Conditions:
Hereditary cancer-predisposing syndrome. Also called: Neoplastic Syndromes, Hereditary; Tumor predisposition; Hereditary Cancer Syndrome; Hereditary neoplastic syndrome. Identifiers: Orphanet 140162, MedGen C0027672, MeSH D009386, MONDO:0015356.

Submission:

Ambry Genetics
Classification: Uncertain significance for Hereditary cancer-predisposing syndrome. Last evaluated: 2016-03-28. Review status: criteria provided, single submitter. Criteria: Ambry Variant Classification Scheme 2023. Collection method: clinical testing. Allele origin: germline.
Comment: The p.N3187T variant (also known as c.9560A>C), located in coding exon 25 of the BRCA2 gene, results from an A to C substitution at nucleotide position 9560. The asparagine at codon 3187 is replaced by threonine, an amino acid with similar properties. This variant was not reported in population based cohorts in the following databases: Database of Single Nucleotide Polymorphisms (dbSNP), NHLBI Exome Sequencing Project (ESP), and 1000 Genomes Project. In the ESP, this variant was not observed in 6503 samples (13006 alleles) with coverage at this position. To date, this alteration has been detected with an allele frequency of approximately 0.0004% (greater than 225000 alleles tested) in our clinical cohort. This amino acid position is not well conserved in available vertebrate species. In addition, the in silico prediction for this alteration is inconclusive. Since supporting evidence is limited at this time, the clinical significance of this alteration remains unclear.

NM_000059.4(BRCA2):c.9560A>C (p.Asn3187Thr)

Gene: BRCA2 (BRCA2 DNA repair associated; plus strand). Cytogenetic location: 13q13.1.
Variant type: single nucleotide variant.
Coding change: c.9560A>C on transcript NM_000059.4 (MANE Select); coding-DNA position 9560, A replaced by C.
Protein change: p.Asn3187Thr; replaces asparagine 3187 with threonine.
Molecular consequence: missense variant.
Genome position (GRCh38, 1-based): chr13:32,396,956, A>C. VCF-style: chr13-32396956-A-C. GRCh37 (hg19) VCF-style: chr13-32971093-A-C.
Other names: short protein forms N3187T.
Identifiers: ClinVar variation 483016 (VCV000483016.5), dbSNP rs1329182873, ClinGen allele CA387763255.